The following is an entry in ClinVar:

NM_001367624.2(ZNF469):c.5661C>G (p.Thr1887=)

Gene: ZNF469 (zinc finger protein 469; plus strand). Cytogenetic location: 16q24.2.
Variant type: single nucleotide variant.
Coding change: c.5661C>G on transcript NM_001367624.2 (MANE Select); coding-DNA position 5661, C replaced by G.
Protein change: p.Thr1887=; no amino-acid change (threonine 1887 retained).
Molecular consequence: synonymous variant.
Genome position (GRCh38, 1-based): chr16:88,433,131, C>G. VCF-style: chr16-88433131-C-G. GRCh37 (hg19) VCF-style: chr16-88499539-C-G.
Other names: NM_001127464.1:c.5577C>G; p.Thr1887=.
Identifiers: ClinVar variation 320943 (VCV000320943.23), dbSNP rs9931465, ClinGen allele CA8225097.

ClinVar aggregate classification (germline): Benign. Review status: criteria provided, multiple submitters, no conflicts (2 of 4 stars). 11 submissions from 11 submitters: Benign (8). 3 of the submissions do not count toward it. Last evaluated 2026-02-04.

Conditions:
Brittle cornea syndrome 1 (BCS1). Also called: DYSGENESIS MESODERMALIS CORNEAE ET SCLERAE; CORNEAL FRAGILITY, KERATOGLOBUS, BLUE SCLERAE, JOINT HYPEREXTENSIBILITY; EDS6B; FRAGILITAS OCULI WITH JOINT HYPEREXTENSIBILITY; Corneal fragility keratoglobus, blue sclerae AND joint hypermobility. Identifiers: Orphanet 90354, MedGen C0268344, MONDO:0024543, OMIM 229200.
Cardiovascular phenotype. Identifiers: MedGen CN230736.

Allele frequency attached by ClinVar (database versions not stated): 1000 Genomes Project 0.77955; 1000 Genomes Project 30x 0.77998; TOPMed 0.81108; ESP Exome Variant Server 0.81966; ExAC 0.86478; gnomAD exomes 0.89293 and 0.91821.
gnomAD v4.1: 1,406,357 of 1,550,168 alleles (91%); highest among the groups gnomAD compares: Non-Finnish European, 94%; 643,569 homozygotes.

Submissions (11):

Labcorp Genetics (formerly Invitae), Labcorp
Classification: Benign. Last evaluated: 2026-02-04. Review status: criteria provided, single submitter. Criteria: Invitae Variant Classification Sherloc (09022015). Collection method: clinical testing. Allele origin: germline.

Women's Health and Genetics/Laboratory Corporation of America, LabCorp
Classification: Benign. Last evaluated: 2025-10-13. Review status: criteria provided, single submitter. Criteria: LabCorp Variant Classification Summary - May 2015. Collection method: clinical testing. Allele origin: germline.

Blueprint Genetics
Classification: Benign. Last evaluated: 2024-11-27. Review status: criteria provided, single submitter. Criteria: ACMG Guidelines, 2015. Collection method: clinical testing. Allele origin: germline.

Mayo Clinic Laboratories, Mayo Clinic
Classification: Benign. Last evaluated: 2022-04-26. Review status: criteria provided, single submitter. Criteria: ACMG Guidelines, 2015. Collection method: clinical testing. Allele origin: germline. Observed: 3,056 variant alleles.

Genome-Nilou Lab
Classification: Benign for Brittle cornea syndrome 1. Last evaluated: 2021-12-05. Review status: criteria provided, single submitter. Criteria: ACMG Guidelines, 2015. Collection method: clinical testing. Allele origin: germline. Affected: no.

Ambry Genetics
Classification: Benign for Cardiovascular phenotype. Last evaluated: 2018-12-04. Review status: criteria provided, single submitter. Criteria: Ambry Variant Classification Scheme 2023. Collection method: clinical testing. Allele origin: germline.

GeneDx
Classification: Benign. Last evaluated: 2016-09-29. Review status: criteria provided, single submitter. Criteria: GeneDx Variant Classification (06012015). Collection method: clinical testing. Allele origin: germline. Affected: yes.
Comment: This variant is considered likely benign or benign based on one or more of the following criteria: it is a conservative change, it occurs at a poorly conserved position in the protein, it is predicted to be benign by multiple in silico algorithms, and/or has population frequency not consistent with disease.

Breakthrough Genomics
Classification: Benign. Review status: criteria provided, single submitter. Criteria: ACMG Guidelines, 2015. Collection method: not provided. Allele origin: germline. Inheritance: Autosomal recessive inheritance. Affected: yes.

Genome Diagnostics Laboratory, Amsterdam University Medical Center
Classification: Benign for Brittle cornea syndrome 1. Last evaluated: 2016-01-15. Review status: no assertion criteria provided. Criteria: ACGS Guidelines, 2013. Collection method: clinical testing. Allele origin: germline. Affected: yes. Study: VKGL Data-share Consensus. Not counted in ClinVar's aggregate classification.

Diagnostic Laboratory, Department of Genetics, University Medical Center Groningen
Classification: Benign for Brittle cornea syndrome 1. Review status: no assertion criteria provided. Collection method: clinical testing. Allele origin: germline. Affected: yes. Study: VKGL Data-share Consensus. Not counted in ClinVar's aggregate classification.

Joint Genome Diagnostic Labs from Nijmegen and Maastricht, Radboudumc and MUMC+
Classification: Benign. Review status: no assertion criteria provided. Collection method: clinical testing. Allele origin: germline. Affected: yes. Study: VKGL Data-share Consensus. Not counted in ClinVar's aggregate classification.